The following is an entry in ClinVar:

ClinVar aggregate classification (germline): Uncertain significance (1 of 4 stars; one submission).

Conditions:
Hereditary cancer-predisposing syndrome. Also called: Neoplastic Syndromes, Hereditary; Tumor predisposition; Hereditary Cancer Syndrome; Hereditary neoplastic syndrome. Identifiers: Orphanet 140162, MedGen C0027672, MeSH D009386, MONDO:0015356.

Submission:

Ambry Genetics
Classification: Uncertain significance for Hereditary cancer-predisposing syndrome. Last evaluated: 2020-10-26. Review status: criteria provided, single submitter. Criteria: Ambry Variant Classification Scheme 2023. Collection method: clinical testing. Allele origin: germline.
Comment: The p.S273R variant (also known as c.817A>C), located in coding exon 9 of the RAD51D gene, results from an A to C substitution at nucleotide position 817. The serine at codon 273 is replaced by arginine, an amino acid with dissimilar properties. This amino acid position is not well conserved in available vertebrate species. In addition, this alteration is predicted to be tolerated by in silico analysis. Since supporting evidence is limited at this time, the clinical significance of this alteration remains unclear.

NM_002878.4(RAD51D):c.817A>C (p.Ser273Arg)

Genes: RAD51L3-RFFL (RAD51L3-RFFL readthrough; minus strand), RAD51D (RAD51 paralog D; minus strand). Cytogenetic location: 17q12.
Variant type: single nucleotide variant.
Coding change: c.817A>C on transcript NM_002878.4 (MANE Select); coding-DNA position 817, A replaced by C.
Protein change: p.Ser273Arg; replaces serine 273 with arginine.
Molecular consequence: missense variant. On other transcripts: non-coding transcript variant (3).
Genome position (GRCh38, 1-based): chr17:35,101,287, T>G on the plus strand (A>C on the coding strand, the complement: RAD51D is on the minus strand). VCF-style: chr17-35101287-T-G. GRCh37 (hg19) VCF-style: chr17-33428306-T-G.
Other names: c.877A>C, p.Ser293Arg (NM_001142571.2); c.481A>C, p.Ser161Arg (NM_133629.3); short protein forms S161R, S293R, S273R.
Identifiers: ClinVar variation 1762299 (VCV001762299.2), dbSNP rs876660376, ClinGen allele CA399086766.